The following is an entry in ClinVar:

NM_018052.5(VAC14):c.1987G>A (p.Ala663Thr)

Gene: VAC14 (VAC14 component of PIKFYVE complex; minus strand). Cytogenetic location: 16q22.1.
Variant type: single nucleotide variant.
Coding change: c.1987G>A on transcript NM_018052.5 (MANE Select); coding-DNA position 1987, G replaced by A.
Protein change: p.Ala663Thr; replaces alanine 663 with threonine.
Molecular consequence: missense variant.
Genome position (GRCh38, 1-based): chr16:70,695,592, C>T on the plus strand (G>A on the coding strand, the complement: VAC14 is on the minus strand). VCF-style: chr16-70695592-C-T. GRCh37 (hg19) VCF-style: chr16-70729495-C-T.
Other names: c.1285G>A, p.Ala429Thr (NM_001351157.2); c.1987G>A (NM_018052.3); short protein forms A663T, A429T.
Identifiers: ClinVar variation 1443895 (VCV001443895.6), dbSNP rs190751684, ClinGen allele CA8147445.
Genomic context (GRCh38, chr16:70,695,592, plus strand): 5'-GGTGGTTCTTACATGTGAAGATGGGGCACTCAATCAGCTGCACCAGCTTGTCCACCTCTG[C>T]GAGGAAGTCCACGGTGACCTCCAGGTCCCCACTGGGTGTGCAGTCAAGGAAAGTCTGTCT-3'
Protein context (NP_060522.3, residues 653-673): GDLEVTVDFL[Ala663Thr]EVDKLVQLIE

ClinVar aggregate classification (germline): Conflicting classifications of pathogenicity. Review status: criteria provided, conflicting classifications (1 of 4 stars). 2 submissions from 2 submitters: Uncertain significance (1); Likely benign (1). Last evaluated 2025-03-17.

Conditions:
Inborn genetic diseases. Identifiers: MedGen C0950123, MeSH D030342.

Allele frequency attached by ClinVar (database versions not stated): 1000 Genomes Project 0.00020; TOPMed 0.00002; ExAC 0.00003; gnomAD exomes 0.00005 and 0.00002; ESP Exome Variant Server 0.00008; 1000 Genomes Project 30x 0.00016; gnomAD 0.00001.
gnomAD v4.1: 27 of 1,613,848 alleles (0.0017%); highest among the groups gnomAD compares: Admixed American, 0.012%; 1 homozygote.

Submissions (2):

Ambry Genetics
Classification: Likely benign for Inborn genetic diseases. Last evaluated: 2025-03-17. Review status: criteria provided, single submitter. Criteria: Ambry Variant Classification Scheme 2023. Collection method: clinical testing. Allele origin: germline.

Labcorp Genetics (formerly Invitae), Labcorp
Classification: Uncertain significance. Last evaluated: 2021-08-25. Review status: criteria provided, single submitter. Criteria: Invitae Variant Classification Sherloc (09022015). Collection method: clinical testing. Allele origin: germline.
Comment: This sequence change replaces alanine with threonine at codon 663 of the VAC14 protein (p.Ala663Thr). The alanine residue is weakly conserved and there is a small physicochemical difference between alanine and threonine. This variant is present in population databases (rs190751684, ExAC 0.02%). This variant has not been reported in the literature in individuals affected with VAC14-related conditions. Algorithms developed to predict the effect of missense changes on protein structure and function output the following: SIFT: "Tolerated"; PolyPhen-2: "Benign"; Align-GVGD: "Class C0". The threonine amino acid residue is found in multiple mammalian species, which suggests that this missense change does not adversely affect protein function. In summary, the available evidence is currently insufficient to determine the role of this variant in disease. Therefore, it has been classified as a Variant of Uncertain Significance.